The following continues an entry in ClinVar:

NM_000070.3(CAPN3):c.1715G>A (p.Arg572Gln)

Gene: CAPN3. ClinVar aggregate classification (germline): Pathogenic. Pathogenic (1).

Submissions 9 to 16 of 16:

Women's Health and Genetics/Laboratory Corporation of America, LabCorp
Classification: Pathogenic for Autosomal recessive limb-girdle muscular dystrophy. Last evaluated: 2023-07-25. Review status: criteria provided, single submitter. Criteria: LabCorp Variant Classification Summary - May 2015. Collection method: clinical testing. Allele origin: germline. Not counted in ClinVar's aggregate classification.
Comment: Variant summary: CAPN3 c.1715G>A (p.Arg572Gln) results in a conservative amino acid change located in the Peptidase C2, calpain, large subunit, domain III (IPR022682) of the encoded protein sequence. This alters a highly conserved residue (HGMD) in which three other missense variants have been found in association with Limb-Girdle Muscular Dystrophy, one of which is classified as pathogenic in ClinVar (p.Arg572Trp). Four of five in-silico tools predict a damaging effect of the variant on protein function. The variant allele was found at a frequency of 8e-06 in 251280 control chromosomes (gnomAD). c.1715G>A has been reported in the literature in multiple individuals affected with Limb-Girdle Muscular Dystrophy, Autosomal Recessive (Krahn_2006, Reddy_2017, Richard_1995, Topf_2020), and in one family the affected individuals were compound heterozygous with a pathogenic variant. These data indicate that the variant is very likely to be associated with disease. At least two publications report experimental evidence evaluating an impact on protein function, finding that the variant results in a loss of proteolytic and autolytic activity (Ono_1998, Ono_2006). The following publications have been ascertained in the context of this evaluation (PMID: 7720071, 27708273, 32528171, 9642272, 16627476, 16650086). Eight submitters have cited clinical-significance assessments for this variant to ClinVar after 2014. All submitters classified the variant as pathogenic/likely pathogenic. Based on the evidence outlined above, the variant was classified as pathogenic.

Department of Pathology and Laboratory Medicine, Sinai Health System
Classification: Pathogenic for Muscular dystrophy, limb-girdle, autosomal dominant 4; Autosomal recessive limb-girdle muscular dystrophy type 2A. Last evaluated: 2023-05-09. Review status: criteria provided, single submitter. Criteria: ACMG Guidelines, 2015. Collection method: research. Allele origin: germline. Not counted in ClinVar's aggregate classification.

Blueprint Genetics
Classification: Pathogenic for CAPN3-related disorders. Last evaluated: 2023-03-15. Review status: criteria provided, single submitter. Criteria: ACMG Guidelines, 2015. Collection method: clinical testing. Allele origin: germline. Affected: yes. Observed: 2 variant alleles. Not counted in ClinVar's aggregate classification.

Centre for Mendelian Genomics, University Medical Centre Ljubljana
Classification: Pathogenic for Muscular dystrophy, limb-girdle, autosomal dominant 4. Last evaluated: 2020-03-24. Review status: criteria provided, single submitter. Criteria: ACMG Guidelines, 2015. Collection method: clinical testing. Allele origin: unknown. Affected: yes. Not counted in ClinVar's aggregate classification.
Comment: This variant was classified as: Pathogenic. The following ACMG criteria were applied in classifying this variant: PS3,PS4,PM2,PM3,PP3,PP4.

Eurofins Ntd Llc (ga)
Classification: Pathogenic. Last evaluated: 2016-09-14. Review status: criteria provided, single submitter. Criteria: EGL Classification Definitions 2015. Collection method: clinical testing. Allele origin: germline. Observed: 1 variant allele, 1 heterozygote. Not counted in ClinVar's aggregate classification.

Athena Diagnostics
Classification: Pathogenic for Limb-girdle muscular dystrophy, type 2A. Last evaluated: 2015-08-18. Review status: criteria provided, single submitter. Criteria: Athena Diagnostics Criteria. Collection method: clinical testing. Allele origin: germline. Inheritance: Autosomal recessive inheritance. Not counted in ClinVar's aggregate classification.

Counsyl
Classification: Likely pathogenic for Autosomal recessive limb-girdle muscular dystrophy type 2A. Last evaluated: 2017-12-27. Review status: no assertion criteria provided. Collection method: clinical testing. Allele origin: unknown. Not counted in ClinVar's aggregate classification.

OMIM
Classification: Pathogenic for MUSCULAR DYSTROPHY, LIMB-GIRDLE, AUTOSOMAL RECESSIVE 1. Last evaluated: 1995-04-07. Review status: no assertion criteria provided. Collection method: literature only. Allele origin: germline. Not counted in ClinVar's aggregate classification.

Literature cited by the submitters: PubMed 7720071 (cited by 6 submitters); PubMed 10102422 (cited by 3 submitters); PubMed 16650086 (cited by 4 submitters); PubMed 27066545 (cited by 3 submitters); PubMed 27708273 (cited by 4 submitters); PubMed 9642272 (cited by 4 submitters); PubMed 16627476 (cited by Labcorp Genetics (formerly Invitae), Labcorp and Women's Health and Genetics/Laboratory Corporation of America, LabCorp); PubMed 9150160 (cited by Labcorp Genetics (formerly Invitae), Labcorp); PubMed 10330340 (cited by Labcorp Genetics (formerly Invitae), Labcorp and Counsyl); PubMed 15221789 (cited by Labcorp Genetics (formerly Invitae), Labcorp); PubMed 16141003 (cited by 3billion); PubMed 32528171 (cited by Women's Health and Genetics/Laboratory Corporation of America, LabCorp); PubMed 8624690 (cited by Athena Diagnostics); PubMed 19156839 (cited by Counsyl).